The following is an entry in ClinVar:

NM_000111.3(SLC26A3):c.1421T>G (p.Met474Arg)

Gene: SLC26A3 (solute carrier family 26 member 3; minus strand). Cytogenetic location: 7q22.3.
Variant type: single nucleotide variant.
Coding change: c.1421T>G on transcript NM_000111.3 (MANE Select); coding-DNA position 1421, T replaced by G.
Protein change: p.Met474Arg; replaces methionine 474 with arginine.
Molecular consequence: missense variant.
Genome position (GRCh38, 1-based): chr7:107,778,268, A>C on the plus strand (T>G on the coding strand, the complement: SLC26A3 is on the minus strand). VCF-style: chr7-107778268-A-C. GRCh37 (hg19) VCF-style: chr7-107418713-A-C.
Other names: short protein forms M474R.
Identifiers: ClinVar variation 4814160 (VCV004814160.1).
Genomic context (GRCh38, chr7:107,778,268, plus strand): 5'-AATGCCACACTAGCTGCCAGGCCTAACCCGAGTCCCAGGACAATGGTGAAGATGAAGGTC[A>C]TGATCCAAATTAACTGTGAAAAGAAAGCAACACATACACTACAATTTACTTTGATTAAAG-3'
Protein context (NP_000102.1, residues 464-484): KDKYDCLIWI[Met474Arg]TFIFTIVLGL

ClinVar aggregate classification (germline): Uncertain significance (1 of 4 stars; one submission).

Conditions:
Congenital secretory diarrhea, chloride type (DIAR1). Also called: DIARRHEA 1, SECRETORY CHLORIDE, CONGENITAL; CHLORIDORRHEA, CONGENITAL; CHLORIDE DIARRHEA, CONGENITAL, FINNISH TYPE. Identifiers: Orphanet 53689, MedGen C0267662, MONDO:0008964, OMIM 214700.

Submission:

OLLIN Analises Genomicas, OLLIN
Classification: Uncertain significance for Congenital secretory diarrhea, chloride type. Last evaluated: 2025-10-09. Review status: criteria provided, single submitter. Criteria: ACMG Guidelines 2015 PMID 25741868. Collection method: clinical testing. Allele origin: germline. Affected: yes. Observed: 1 variant allele.
Comment: The missense variant (chr7:107778268A>C), located in exon 13 (of 21), is not reported in the gnomAD v4.1 non-UKB or ClinVar databases, nor was it found in the scientific literature. In silico analysis is inconclusive regarding the impact of this variant. Based on currently available evidence, this variant has been classified as of uncertain significance (VUS - PM2_P, PM3_P).